The following is an entry in ClinVar:

ClinVar aggregate classification (germline): Uncertain significance (1 of 4 stars; one submission).

Submission:

Labcorp Genetics (formerly Invitae), Labcorp
Classification: Uncertain significance. Last evaluated: 2024-07-17. Review status: criteria provided, single submitter. Criteria: Invitae Variant Classification Sherloc (09022015). Collection method: clinical testing. Allele origin: germline.
Comment: This sequence change replaces aspartic acid, which is acidic and polar, with valine, which is neutral and non-polar, at codon 139 of the DPF2 protein (p.Asp139Val). This variant is not present in population databases (gnomAD no frequency). This variant has not been reported in the literature in individuals affected with DPF2-related conditions. An algorithm developed to predict the effect of missense changes on protein structure and function (PolyPhen-2) suggests that this variant is likely to be tolerated. In summary, the available evidence is currently insufficient to determine the role of this variant in disease. Therefore, it has been classified as a Variant of Uncertain Significance.

NM_006268.5(DPF2):c.416A>T (p.Asp139Val)

Gene: DPF2 (double PHD fingers 2; plus strand). Cytogenetic location: 11q13.1.
Variant type: single nucleotide variant.
Coding change: c.416A>T on transcript NM_006268.5 (MANE Select); coding-DNA position 416, A replaced by T.
Protein change: p.Asp139Val; replaces aspartic acid 139 with valine.
Molecular consequence: missense variant.
Genome position (GRCh38, 1-based): chr11:65,341,513, A>T. VCF-style: chr11-65341513-A-T. GRCh37 (hg19) VCF-style: chr11-65108984-A-T.
Other names: c.416A>T, p.Asp139Val (NM_001330308.2); short protein forms D139V.
Identifiers: ClinVar variation 3700285 (VCV003700285.2).